The following is an entry in ClinVar:

NM_003900.5(SQSTM1):c.833C>T (p.Thr278Ile)

Gene: SQSTM1 (sequestosome 1; plus strand). Cytogenetic location: 5q35.3.
Variant type: single nucleotide variant.
Coding change: c.833C>T on transcript NM_003900.5 (MANE Select); coding-DNA position 833, C replaced by T.
Protein change: p.Thr278Ile; replaces threonine 278 with isoleucine.
Molecular consequence: missense variant.
Genome position (GRCh38, 1-based): chr5:179,833,110, C>T. VCF-style: chr5-179833110-C-T. GRCh37 (hg19) VCF-style: chr5-179260110-C-T.
Other names: c.581C>T, p.Thr194Ile (NM_001142298.2, NM_001142299.2); short protein forms T194I, T278I.
Identifiers: ClinVar variation 1954386 (VCV001954386.5), dbSNP rs200445838, ClinGen allele CA3600702.
Genomic context (GRCh38, chr5:179,833,110, plus strand): 5'-ATGTGGAGCACGGAGGGAAAAGAAGCCGCCTGACCCCCGTCTCTCCAGAGAGTTCCAGCA[C>T]AGAGGAGAAGAGCAGCTCACAGCCAAGCAGCTGCTGCTCTGACCCCAGCAAGCCGGGTGG-3'
Protein context (NP_003891.1, residues 268-288): LTPVSPESSS[Thr278Ile]EEKSSSQPSS

ClinVar aggregate classification (germline): Uncertain significance (1 of 4 stars; one submission).

Conditions:
Paget disease of bone 2, early-onset (PDB2). Also called: Paget disease of bone 2. Identifiers: MedGen C4085251, MONDO:0011183, OMIM 602080.
Frontotemporal dementia and/or amyotrophic lateral sclerosis 1 (FTDALS1). Also called: Frontotemporal dementia with motor neuron disease 1; C9orf72 Frontotemporal Dementia and/or Amyotrophic Lateral Sclerosis. Identifiers: Orphanet 275872, MedGen C5779877, MONDO:0007105, OMIM 105550.

Allele frequency attached by ClinVar (database versions not stated): TOPMed below 0.00001; gnomAD exomes 0.00001; ExAC 0.00002.
gnomAD v4.1: 17 of 1,614,240 alleles (0.0011%); highest among the groups gnomAD compares: Admixed American, 0.0033%; no homozygotes.

Submission:

Labcorp Genetics (formerly Invitae), Labcorp
Classification: Uncertain significance for Paget disease of bone 2, early-onset; Frontotemporal dementia and/or amyotrophic lateral sclerosis 1. Last evaluated: 2024-12-19. Review status: criteria provided, single submitter. Criteria: Invitae Variant Classification Sherloc (09022015). Collection method: clinical testing. Allele origin: germline.
Comment: This sequence change replaces threonine, which is neutral and polar, with isoleucine, which is neutral and non-polar, at codon 278 of the SQSTM1 protein (p.Thr278Ile). This variant is present in population databases (rs200445838, gnomAD 0.003%). This missense change has been observed in individual(s) with SQSTM1-related conditions (PMID: 25796131, 32028661). ClinVar contains an entry for this variant (Variation ID: 1954386). Invitae Evidence Modeling of protein sequence and biophysical properties (such as structural, functional, and spatial information, amino acid conservation, physicochemical variation, residue mobility, and thermodynamic stability) indicates that this missense variant is not expected to disrupt SQSTM1 protein function with a negative predictive value of 80%. In summary, the available evidence is currently insufficient to determine the role of this variant in disease. Therefore, it has been classified as a Variant of Uncertain Significance.

Literature cited by the submitters: PubMed 25796131; PubMed 32028661.